The following is an entry in ClinVar:

ClinVar aggregate classification (germline): Conflicting classifications of pathogenicity. Review status: criteria provided, conflicting classifications (1 of 4 stars). 2 submissions from 2 submitters: Uncertain significance (1); Likely benign (1). Last evaluated 2022-06-02.

Conditions:
Long QT syndrome (LQTS). Identifiers: MedGen C0023976, MeSH D008133, MONDO:0002442. Disease mechanism: loss of function. Inheritance: Various modes of inheritance.
Cardiovascular phenotype. Identifiers: MedGen CN230736.

Allele frequency attached by ClinVar (database versions not stated): gnomAD 0.00001; gnomAD exomes 0.00001; ExAC 0.00002; TOPMed below 0.00001.

Submissions (2):

Labcorp Genetics (formerly Invitae), Labcorp
Classification: Uncertain significance for Long QT syndrome. Last evaluated: 2022-06-02. Review status: criteria provided, single submitter. Criteria: Invitae Variant Classification Sherloc (09022015). Collection method: clinical testing. Allele origin: germline.
Comment: This variant is present in population databases (rs747229863, gnomAD 0.01%). This sequence change replaces methionine, which is neutral and non-polar, with valine, which is neutral and non-polar, at codon 1020 of the ANK2 protein (p.Met1020Val). This variant has not been reported in the literature in individuals affected with ANK2-related conditions. In summary, the available evidence is currently insufficient to determine the role of this variant in disease. Therefore, it has been classified as a Variant of Uncertain Significance. Algorithms developed to predict the effect of missense changes on protein structure and function are either unavailable or do not agree on the potential impact of this missense change (SIFT: "Deleterious"; PolyPhen-2: "Possibly Damaging"; Align-GVGD: "Class C0").

Ambry Genetics
Classification: Likely benign for Cardiovascular phenotype. Last evaluated: 2021-09-28. Review status: criteria provided, single submitter. Criteria: Ambry Variant Classification Scheme 2023. Collection method: clinical testing. Allele origin: germline.

NM_001148.6(ANK2):c.3058A>G (p.Met1020Val)

Gene: ANK2 (ankyrin 2; plus strand). Cytogenetic location: 4q26.
Variant type: single nucleotide variant.
Coding change: c.3058A>G on transcript NM_001148.6 (MANE Select); coding-DNA position 3058, A replaced by G.
Protein change: p.Met1020Val; replaces methionine 1020 with valine.
Molecular consequence: missense variant.
Genome position (GRCh38, 1-based): chr4:113,330,403, A>G. VCF-style: chr4-113330403-A-G. GRCh37 (hg19) VCF-style: chr4-114251559-A-G.
Other names: c.3031A>G, p.Met1011Val (NM_001127493.3); c.3070A>G, p.Met1024Val (NM_001354225.2); c.3058A>G, p.Met1020Val (NM_001354228.2, NM_001354258.2, NM_020977.5); c.3136A>G, p.Met1046Val (NM_001354230.2, NM_001354237.2); c.3100A>G, p.Met1034Val (NM_001354231.2, NM_001354242.2); c.3094A>G, p.Met1032Val (NM_001354232.2); c.3055A>G, p.Met1019Val (NM_001354235.2, NM_001354236.2, NM_001354246.2 and 1 more transcripts); c.3028A>G, p.Met1010Val (NM_001354239.2, NM_001354252.2, NM_001354272.2); and 23 more; short protein forms M1001V, M1008V, M1032V, M1039V, M229V, M949V, M1020V, M966V.
Identifiers: ClinVar variation 1799320 (VCV001799320.7), dbSNP rs747229863, ClinGen allele CA3050761.